The following is an entry in ClinVar:

ClinVar aggregate classification (germline): Uncertain significance (1 of 4 stars; one submission).

Conditions:
Familial adenomatous polyposis 1 (FAP1). Also called: POLYPOSIS, ADENOMATOUS INTESTINAL; FAMILIAL ADENOMATOUS POLYPOSIS 1, ATTENUATED. Identifiers: MedGen C2713442, MONDO:0021056, OMIM 175100. Disease mechanism: loss of function.

Submission:

Labcorp Genetics (formerly Invitae), Labcorp
Classification: Uncertain significance for Familial adenomatous polyposis 1. Last evaluated: 2022-09-23. Review status: criteria provided, single submitter. Criteria: Invitae Variant Classification Sherloc (09022015). Collection method: clinical testing. Allele origin: germline.
Comment: In summary, the available evidence is currently insufficient to determine the role of this variant in disease. Therefore, it has been classified as a Variant of Uncertain Significance. Experimental studies and prediction algorithms are not available or were not evaluated, and the functional significance of this variant is currently unknown. This variant has not been reported in the literature in individuals affected with APC-related conditions. This variant is not present in population databases (gnomAD no frequency). This variant occurs in a non-coding region of the APC gene. It does not change the encoded amino acid sequence of the APC protein.

NC_000005.10:g.112707327G>C

Gene: APC (APC regulator of Wnt signaling pathway; plus strand). Cytogenetic location: 5q22.2.
Variant type: single nucleotide variant.
Genome position: GRCh38 VCF-style: chr5-112707327-G-C. GRCh37 (hg19) VCF-style: chr5-112043024-G-C.
Identifiers: ClinVar variation 1021148 (VCV001021148.8), dbSNP rs1750548429, ClinGen allele CA1573442161.
Genomic context (GRCh38, chr5:112,707,327, plus strand): 5'-TGCGGAATAATGGACTAGTGTGTGCAGAAGGATCTATTAACTGGGCTGCAGCACAATTCA[G>C]AGAAGGCCAGTAAGTGCTGCAACTGAGACTCGGCTGCCTAGGCAGCAATGGCTCACGGGA-3'